The following is an entry in ClinVar:

ClinVar aggregate classification (germline): Uncertain significance (1 of 4 stars; one submission).

Conditions:
Juvenile polyposis syndrome (JPS). Identifiers: Orphanet 2929, MedGen C0345893, MONDO:0017380, OMIM 174900.

Submission:

Labcorp Genetics (formerly Invitae), Labcorp
Classification: Uncertain significance for Juvenile polyposis syndrome. Last evaluated: 2020-09-24. Review status: criteria provided, single submitter. Criteria: Invitae Variant Classification Sherloc (09022015). Collection method: clinical testing. Allele origin: germline.
Comment: In summary, the available evidence is currently insufficient to determine the role of this variant in disease. Therefore, it has been classified as a Variant of Uncertain Significance. Algorithms developed to predict the effect of sequence changes on RNA splicing suggest that this variant may disrupt the consensus splice site, but this prediction has not been confirmed by published transcriptional studies. This variant has not been reported in the literature in individuals with SMAD4-related conditions. This variant is not present in population databases (ExAC no frequency). This sequence change falls in intron 3 of the SMAD4 gene. It does not directly change the encoded amino acid sequence of the SMAD4 protein.

NM_005359.6(SMAD4):c.425-4T>G

Gene: SMAD4 (SMAD family member 4; plus strand). Cytogenetic location: 18q21.2.
Variant type: single nucleotide variant.
Coding change: c.425-4T>G on transcript NM_005359.6 (MANE Select); 4 bases into the intron before coding-DNA position 425, T replaced by G.
Molecular consequence: intron variant.
Genome position (GRCh38, 1-based): chr18:51,049,291, T>G. VCF-style: chr18-51049291-T-G. GRCh37 (hg19) VCF-style: chr18-48575661-T-G.
Identifiers: ClinVar variation 1059916 (VCV001059916.9), dbSNP rs2144407490, ClinGen allele CA2499225199.